The following is an entry in ClinVar:

NM_000384.3(APOB):c.4550A>C (p.Glu1517Ala)

Gene: APOB (apolipoprotein B; minus strand). Cytogenetic location: 2p24.1.
Variant type: single nucleotide variant.
Coding change: c.4550A>C on transcript NM_000384.3 (MANE Select); coding-DNA position 4550, A replaced by C.
Protein change: p.Glu1517Ala; replaces glutamic acid 1517 with alanine.
Molecular consequence: missense variant.
Genome position (GRCh38, 1-based): chr2:21,012,318, T>G on the plus strand (A>C on the coding strand, the complement: APOB is on the minus strand). VCF-style: chr2-21012318-T-G. GRCh37 (hg19) VCF-style: chr2-21235190-T-G.
Other names: short protein forms E1517A.
Identifiers: ClinVar variation 1741439 (VCV001741439.5), dbSNP rs780572928, ClinGen allele CA061119.

ClinVar aggregate classification (germline): Conflicting classifications of pathogenicity. Review status: criteria provided, conflicting classifications (1 of 4 stars). 3 submissions from 3 submitters: Uncertain significance (2); Likely benign (1). Last evaluated 2025-09-22.

Conditions:
Familial hypobetalipoproteinemia 1. Also called: APOB-Related Familial Hypobetalipoproteinemia; Hypobetalipoproteinemia, normotriglyceridemic; Acanthocytosis with hypobetalipoproteinemia. Identifiers: MedGen C4551990, MONDO:0014252, OMIM 615558.
Hypercholesterolemia, autosomal dominant, type B (FHCL2). Also called: Hyperlipoproteinemia Type IIb; Familial hypercholesterolemia 2; Familial Hypercholesterolemia Type B; APOLIPOPROTEIN B-100, FAMILIAL DEFECTIVE; APOLIPOPROTEIN B-100, FAMILIAL LIGAND-DEFECTIVE; HYPERCHOLESTEROLEMIA, FAMILIAL, DUE TO LIGAND-DEFECTIVE APOLIPOPROTEIN B. Identifiers: MedGen C1704417, MONDO:0007751, OMIM 144010.
Cardiovascular phenotype. Identifiers: MedGen CN230736.

Allele frequency attached by ClinVar (database versions not stated): ExAC 0.00001; gnomAD 0.00001; gnomAD exomes 0.00001; TOPMed 0.00002.
gnomAD v4.1: 17 of 1,614,026 alleles (0.0011%); highest among the groups gnomAD compares: Non-Finnish European, 0.0014%; no homozygotes.

Submissions (3):

Labcorp Genetics (formerly Invitae), Labcorp
Classification: Likely benign for Familial hypobetalipoproteinemia 1; Hypercholesterolemia, autosomal dominant, type B. Last evaluated: 2025-09-22. Review status: criteria provided, single submitter. Criteria: Invitae Variant Classification Sherloc (09022015). Collection method: clinical testing. Allele origin: germline.

GeneDx
Classification: Uncertain significance. Last evaluated: 2025-05-01. Review status: criteria provided, single submitter. Criteria: GeneDx Variant Classification Process June 2021. Collection method: clinical testing. Allele origin: germline. Affected: yes.
Comment: Not observed at significant frequency in large population cohorts (gnomAD); In silico analysis supports that this missense variant has a deleterious effect on protein structure/function; Has not been previously published as pathogenic or benign to our knowledge

Ambry Genetics
Classification: Uncertain significance for Cardiovascular phenotype. Last evaluated: 2024-04-18. Review status: criteria provided, single submitter. Criteria: Ambry Variant Classification Scheme 2023. Collection method: clinical testing. Allele origin: germline.
Comment: The p.E1517A variant (also known as c.4550A>C), located in coding exon 26 of the APOB gene, results from an A to C substitution at nucleotide position 4550. The glutamic acid at codon 1517 is replaced by alanine, an amino acid with dissimilar properties. This amino acid position is well conserved in available vertebrate species. In addition, this alteration is predicted to be tolerated by in silico analysis. Since supporting evidence is limited at this time, the clinical significance of this alteration remains unclear.